The following is an entry in ClinVar:

ClinVar aggregate classification (germline): Uncertain significance. Review status: criteria provided, multiple submitters, no conflicts (2 of 4 stars). 2 submissions from 2 submitters: Uncertain significance (2). Last evaluated 2025-12-08.

Conditions:
Neurodevelopmental disorder with or without hyperkinetic movements and seizures, autosomal dominant. Also called: Intellectual disability, autosomal dominant 8. Identifiers: MedGen C3280282, MONDO:0013655, OMIM 614254.

Allele frequency attached by ClinVar (database versions not stated): ExAC 0.00001; TOPMed 0.00006; gnomAD 0.00007.
gnomAD v4.1: 28 of 1,608,614 alleles (0.0017%); highest among the groups gnomAD compares: African/African-American, 0.017%; no homozygotes.

Submissions (2):

Labcorp Genetics (formerly Invitae), Labcorp
Classification: Uncertain significance for Neurodevelopmental disorder with or without hyperkinetic movements and seizures, autosomal dominant. Last evaluated: 2025-12-08. Review status: criteria provided, single submitter. Criteria: Invitae Variant Classification Sherloc (09022015). Collection method: clinical testing. Allele origin: germline.
Comment: This sequence change replaces proline, which is neutral and non-polar, with serine, which is neutral and polar, at codon 447 of the GRIN1 protein (p.Pro447Ser). The frequency data for this variant in the population databases is considered unreliable, as metrics indicate poor data quality at this position in the gnomAD database. This variant has not been reported in the literature in individuals affected with GRIN1-related conditions. ClinVar contains an entry for this variant (Variation ID: 1057556). An algorithm developed to predict the effect of missense changes on protein structure and function outputs the following: PolyPhen-2: "Benign". The serine amino acid residue is found in multiple mammalian species, which suggests that this missense change does not adversely affect protein function. In summary, the available evidence is currently insufficient to determine the role of this variant in disease. Therefore, it has been classified as a Variant of Uncertain Significance.

Mayo Clinic Laboratories, Mayo Clinic
Classification: Uncertain significance. Last evaluated: 2019-05-20. Review status: criteria provided, single submitter. Criteria: ACMG Guidelines, 2015. Collection method: clinical testing. Allele origin: germline. Observed: 1 variant allele.

NM_007327.4(GRIN1):c.1339C>T (p.Pro447Ser)

Gene: GRIN1 (glutamate ionotropic receptor NMDA type subunit 1; plus strand). Cytogenetic location: 9q34.3.
Variant type: single nucleotide variant.
Coding change: c.1339C>T on transcript NM_007327.4 (MANE Select); coding-DNA position 1339, C replaced by T.
Protein change: p.Pro447Ser; replaces proline 447 with serine.
Molecular consequence: missense variant.
Genome position (GRCh38, 1-based): chr9:137,161,197, C>T. VCF-style: chr9-137161197-C-T. GRCh37 (hg19) VCF-style: chr9-140055649-C-T.
Other names: c.1339C>T, p.Pro447Ser (NM_000832.7, NM_021569.4); c.1402C>T, p.Pro468Ser (NM_001185090.2, NM_001185091.2); short protein forms P447S, P468S.
Identifiers: ClinVar variation 1057556 (VCV001057556.11), dbSNP rs763222643, ClinGen allele CA5360895.